The following is an entry in ClinVar:

ClinVar aggregate classification (germline): Pathogenic/Likely pathogenic. Review status: criteria provided, multiple submitters, no conflicts (2 of 4 stars). 3 submissions from 3 submitters: Pathogenic (1); Likely pathogenic (2). Last evaluated 2025-12-09.

Conditions:
Hereditary hemorrhagic telangiectasia (HHT). Also called: ORW DISEASE; Osler Weber Rendu syndrome; OSLER-RENDU-WEBER DISEASE; Osler hemorrhagic telangiectasia syndrome. Identifiers: Orphanet 774, MedGen C0039445, MONDO:0019180. Disease mechanism: loss of function.
ENG-related disorder. Also called: ENG-related condition; ENG-related disorders.

Submissions (3):

PreventionGenetics, part of Exact Sciences
Classification: Likely pathogenic for ENG-related condition. Last evaluated: 2025-12-09. Review status: criteria provided, single submitter. Criteria: ACMG Guidelines, 2015. Collection method: clinical testing. Allele origin: germline.
Comment: The ENG c.1363_1364insC variant is predicted to result in a frameshift and premature protein termination (p.Tyr455Serfs*46). To our knowledge, this variant has not been reported in the literature or in a large population database (gnomAD), indicating this variant is rare. Frameshift variants in ENG are expected to be pathogenic. This variant is interpreted as likely pathogenic.

GeneDx
Classification: Likely pathogenic. Last evaluated: 2024-02-01. Review status: criteria provided, single submitter. Criteria: GeneDx Variant Classification Process June 2021. Collection method: clinical testing. Allele origin: germline. Affected: yes.
Comment: Has not been previously published as pathogenic or benign to our knowledge; Not observed at significant frequency in large population cohorts (gnomAD); Frameshift variant predicted to result in protein truncation or nonsense mediated decay in a gene for which loss of function is a known mechanism of disease

Labcorp Genetics (formerly Invitae), Labcorp
Classification: Pathogenic for Hereditary hemorrhagic telangiectasia. Last evaluated: 2023-10-10. Review status: criteria provided, single submitter. Criteria: Invitae Variant Classification Sherloc (09022015). Collection method: clinical testing. Allele origin: germline.
Comment: This sequence change creates a premature translational stop signal (p.Tyr455Serfs*46) in the ENG gene. It is expected to result in an absent or disrupted protein product. Loss-of-function variants in ENG are known to be pathogenic (PMID: 15879500). This variant is not present in population databases (gnomAD no frequency). This variant has not been reported in the literature in individuals affected with ENG-related conditions. ClinVar contains an entry for this variant (Variation ID: 419463). For these reasons, this variant has been classified as Pathogenic.

Literature cited by the submitters: PubMed 15879500 (cited by Labcorp Genetics (formerly Invitae), Labcorp).

NM_001114753.3(ENG):c.1363_1364insC (p.Tyr455fs)

Genes: ENG (endoglin; minus strand), LOC102723566 (uncharacterized LOC102723566; plus strand). Cytogenetic location: 9q34.11.
Variant type: Insertion.
Coding change: c.1363_1364insC on transcript NM_001114753.3 (MANE Select); coding-DNA positions 1363 to 1364, C inserted.
Protein change: p.Tyr455fs; shifts the reading frame from tyrosine 455.
Molecular consequence: frameshift variant.
Genome position: GRCh38 VCF-style: chr9-127818780-T-TG. GRCh37 (hg19) VCF-style: chr9-130581059-T-TG.
Other names: c.1363_1364insC, p.Tyr455Serfs (NM_000118.4); c.817_818insC, p.Tyr273fs (NM_001278138.2); short protein forms Y273fs, Y455fs.
Identifiers: ClinVar variation 419463 (VCV000419463.9), dbSNP rs1064793889, ClinGen allele CA16618746.